The following is an entry in ClinVar:

ClinVar aggregate classification (germline): Uncertain significance (1 of 4 stars; one submission).

Conditions:
Hereditary breast ovarian cancer syndrome. Also called: Hereditary breast and ovarian cancer; BRCA1- and BRCA2-Associated Hereditary Breast and Ovarian Cancer; Hereditary breast and/or ovarian cancer syndrome; Hereditary breast and ovarian cancer syndrome; Hereditary breast and ovarian cancer syndrome (HBOC); Breast and ovarian cancer. Identifiers: Orphanet 145, MedGen C0677776, MeSH D061325, MONDO:0003582. Disease mechanism: loss of function.

Submission:

Labcorp Genetics (formerly Invitae), Labcorp
Classification: Uncertain significance for Hereditary breast ovarian cancer syndrome. Last evaluated: 2019-07-31. Review status: criteria provided, single submitter. Criteria: Invitae Variant Classification Sherloc (09022015). Collection method: clinical testing. Allele origin: germline.
Comment: This variant has not been reported in the literature in individuals with BRCA2-related conditions. This variant is not present in population databases (ExAC no frequency). This sequence change replaces glutamic acid with aspartic acid at codon 3175 of the BRCA2 protein (p.Glu3175Asp). The glutamic acid residue is weakly conserved and there is a small physicochemical difference between glutamic acid and aspartic acid. In summary, the available evidence is currently insufficient to determine the role of this variant in disease. Therefore, it has been classified as a Variant of Uncertain Significance. Algorithms developed to predict the effect of missense changes on protein structure and function output the following: SIFT: "Tolerated"; PolyPhen-2: "Benign"; Align-GVGD: "Class C0". The aspartic acid amino acid residue is found in multiple mammalian species, suggesting that this missense change does not adversely affect protein function. These predictions have not been confirmed by published functional studies and their clinical significance is uncertain.

NM_000059.4(BRCA2):c.9525A>C (p.Glu3175Asp)

Gene: BRCA2 (BRCA2 DNA repair associated; plus strand). Cytogenetic location: 13q13.1.
Variant type: single nucleotide variant.
Coding change: c.9525A>C on transcript NM_000059.4 (MANE Select); coding-DNA position 9525, A replaced by C.
Protein change: p.Glu3175Asp; replaces glutamic acid 3175 with aspartic acid.
Molecular consequence: missense variant.
Genome position (GRCh38, 1-based): chr13:32,396,921, A>C. VCF-style: chr13-32396921-A-C. GRCh37 (hg19) VCF-style: chr13-32971058-A-C.
Other names: short protein forms E3175D.
Identifiers: ClinVar variation 959635 (VCV000959635.10), dbSNP rs2073040194, ClinGen allele CA387763010.
Genomic context (GRCh38, chr13:32,396,921, plus strand): 5'-GCAATTTATAAAGCAGCTTTTCCACTTATTTTCTTAGAATATTGACATACTTTGCAATGA[A>C]GCAGAAAACAAGCTTATGCATATACTGCATGCAAATGATCCCAAGTGGTCCACCCCAACT-3'
Protein context (NP_000050.3, residues 3165-3185): TVENIDILCN[Glu3175Asp]AENKLMHILH